The following is an entry in ClinVar:

NM_000257.4(MYH7):c.3592del (p.Asp1198fs)

Gene: MYH7 (myosin heavy chain 7; minus strand). Cytogenetic location: 14q11.2.
Variant type: Deletion.
Coding change: c.3592del on transcript NM_000257.4 (MANE Select); coding-DNA position 3592, one base deleted (G; older notation c.3592delG).
Protein change: p.Asp1198fs; shifts the reading frame from aspartic acid 1198.
Molecular consequence: frameshift variant.
Genome position (GRCh38, 1-based): chr14:23,419,979, C deleted on the plus strand (G on the coding strand, the reverse complement: MYH7 is on the minus strand). VCF-style (leftmost placement, unchanged base first): chr14-23419978-TC-T. GRCh37 (hg19) VCF-style: chr14-23889187-TC-T.
Other names: short protein forms D1198fs.
Identifiers: ClinVar variation 2689496 (VCV002689496.4), dbSNP rs755646089, ClinGen allele CA037972.

ClinVar aggregate classification (germline): Uncertain significance. Review status: criteria provided, multiple submitters, no conflicts (2 of 4 stars). 3 submissions from 3 submitters: Uncertain significance (3). Last evaluated 2023-11-30.

Conditions:
Cardiomyopathy (CMYO). Also called: Cardiomyopathies. Identifiers: Orphanet 167848, MedGen C0878544, MONDO:0004994, HP:0001638. Inheritance: Various modes of inheritance.

Allele frequency attached by ClinVar (database versions not stated): ExAC 0.00001; TOPMed 0.00001.

Submissions (3):

All of Us Research Program, National Institutes of Health
Classification: Uncertain significance for Cardiomyopathy. Last evaluated: 2023-11-30. Review status: criteria provided, single submitter. Criteria: ACMG Guidelines, 2015. Collection method: clinical testing. Allele origin: germline. Inheritance: Autosomal dominant inheritance. Observed: 1 variant allele, 1 heterozygote.
Comment: This study involves interpretation of variants in research participants for the purpose of population health screening. Participant phenotype was not available at the time of variant classification. Additional details can be found in publication PMID: 35346344, PMCID: PMC8962531

Revvity Omics, Revvity
Classification: Uncertain significance. Last evaluated: 2023-04-14. Review status: criteria provided, single submitter. Criteria: ACMG Guidelines, 2015. Collection method: clinical testing. Allele origin: germline.

Blueprint Genetics
Classification: Uncertain significance. Last evaluated: 2019-11-08. Review status: criteria provided, single submitter. Criteria: ACMG Guidelines, 2015. Collection method: clinical testing. Allele origin: germline.